The following is an entry in ClinVar:

NM_001252024.2(TRPM1):c.4598T>G (p.Val1533Gly)

Gene: TRPM1 (transient receptor potential cation channel subfamily M member 1; minus strand). Cytogenetic location: 15q13.3.
Variant type: single nucleotide variant.
Coding change: c.4598T>G on transcript NM_001252024.2 (MANE Select); coding-DNA position 4598, T replaced by G.
Protein change: p.Val1533Gly; replaces valine 1533 with glycine.
Molecular consequence: missense variant.
Genome position (GRCh38, 1-based): chr15:31,002,102, A>C on the plus strand (T>G on the coding strand, the complement: TRPM1 is on the minus strand). VCF-style: chr15-31002102-A-C. GRCh37 (hg19) VCF-style: chr15-31294305-A-C.
Other names: c.4649T>G (NM_001252020.1); c.4649T>G, p.Val1550Gly (NM_001252020.2); c.4532T>G, p.Val1511Gly (NM_002420.6); short protein forms V1511G, V1550G, V1533G.
Identifiers: ClinVar variation 964113 (VCV000964113.10), dbSNP rs556799723, ClinGen allele CA7451611.

ClinVar aggregate classification (germline): Uncertain significance. Review status: criteria provided, multiple submitters, no conflicts (2 of 4 stars). 3 submissions from 3 submitters: Uncertain significance (3). Last evaluated 2025-03-07.

Conditions:
TRPM1-related disorder. Also called: TRPM1-related condition.

Allele frequency attached by ClinVar (database versions not stated): TOPMed 0.00002; 1000 Genomes Project 0.00020; 1000 Genomes Project 30x 0.00031.

Submissions (3):

PreventionGenetics, part of Exact Sciences
Classification: Uncertain significance for TRPM1-related condition. Last evaluated: 2025-03-07. Review status: criteria provided, single submitter. Criteria: ACMG Guidelines, 2015. Collection method: clinical testing. Allele origin: germline.
Comment: The TRPM1 c.4649T>G variant is predicted to result in the amino acid substitution p.Val1550Gly. To our knowledge, this variant has not been reported in the literature. This variant is reported in 0.029% of alleles in individuals of African descent in gnomAD. At this time, the clinical significance of this variant is uncertain due to the absence of conclusive functional and genetic evidence.

Labcorp Genetics (formerly Invitae), Labcorp
Classification: Uncertain significance. Last evaluated: 2022-07-05. Review status: criteria provided, single submitter. Criteria: Invitae Variant Classification Sherloc (09022015). Collection method: clinical testing. Allele origin: germline.
Comment: This sequence change replaces valine, which is neutral and non-polar, with glycine, which is neutral and non-polar, at codon 1511 of the TRPM1 protein (p.Val1511Gly). In summary, the available evidence is currently insufficient to determine the role of this variant in disease. Therefore, it has been classified as a Variant of Uncertain Significance. Algorithms developed to predict the effect of missense changes on protein structure and function (SIFT, PolyPhen-2, Align-GVGD) all suggest that this variant is likely to be tolerated. ClinVar contains an entry for this variant (Variation ID: 964113). This variant has not been reported in the literature in individuals affected with TRPM1-related conditions. This variant is present in population databases (rs556799723, gnomAD 0.03%).

Blueprint Genetics
Classification: Uncertain significance. Last evaluated: 2019-10-17. Review status: criteria provided, single submitter. Criteria: ACMG Guidelines, 2015. Collection method: clinical testing. Allele origin: germline.